The following is an entry in ClinVar:

NM_004371.4(COPA):c.3476A>G (p.Asn1159Ser)

Gene: COPA (coat protein complex I subunit alpha; minus strand). Cytogenetic location: 1q23.2.
Variant type: single nucleotide variant.
Coding change: c.3476A>G on transcript NM_004371.4 (MANE Select); coding-DNA position 3476, A replaced by G.
Protein change: p.Asn1159Ser; replaces asparagine 1159 with serine.
Molecular consequence: missense variant.
Genome position (GRCh38, 1-based): chr1:160,290,631, T>C on the plus strand (A>G on the coding strand, the complement: COPA is on the minus strand). VCF-style: chr1-160290631-T-C. GRCh37 (hg19) VCF-style: chr1-160260421-T-C.
Other names: c.3503A>G, p.Asn1168Ser (NM_001098398.2); short protein forms N1159S, N1168S.
Identifiers: ClinVar variation 2087962 (VCV002087962.4), dbSNP rs757736121, ClinGen allele CA343269242.

ClinVar aggregate classification (germline): Uncertain significance (1 of 4 stars; one submission).

Conditions:
Autoimmune interstitial lung disease-arthritis syndrome. Also called: Autoinflammation and autoimmunity, systemic, with immune dysregulation. Identifiers: Orphanet 444092, MedGen C5975714, MONDO:0014629.

gnomAD v4.1: 1 of 1,614,202 alleles (0.000062%); highest among the groups gnomAD compares: Non-Finnish European, 0.000085%; no homozygotes.

Submission:

Labcorp Genetics (formerly Invitae), Labcorp
Classification: Uncertain significance for Autoimmune interstitial lung disease-arthritis syndrome. Last evaluated: 2024-10-16. Review status: criteria provided, single submitter. Criteria: Invitae Variant Classification Sherloc (09022015). Collection method: clinical testing. Allele origin: germline.
Comment: This sequence change replaces asparagine, which is neutral and polar, with serine, which is neutral and polar, at codon 1159 of the COPA protein (p.Asn1159Ser). This variant is not present in population databases (gnomAD no frequency). This variant has not been reported in the literature in individuals affected with COPA-related conditions. ClinVar contains an entry for this variant (Variation ID: 2087962). Invitae Evidence Modeling of protein sequence and biophysical properties (such as structural, functional, and spatial information, amino acid conservation, physicochemical variation, residue mobility, and thermodynamic stability) indicates that this missense variant is not expected to disrupt COPA protein function with a negative predictive value of 80%. In summary, the available evidence is currently insufficient to determine the role of this variant in disease. Therefore, it has been classified as a Variant of Uncertain Significance.